The following is an entry in ClinVar:

NM_000541.5(SAG):c.329G>A (p.Ser110Asn)

Gene: SAG (S-antigen visual arrestin; plus strand). Cytogenetic location: 2q37.1.
Variant type: single nucleotide variant.
Coding change: c.329G>A on transcript NM_000541.5 (MANE Select); coding-DNA position 329, G replaced by A.
Protein change: p.Ser110Asn; replaces serine 110 with asparagine.
Molecular consequence: missense variant.
Genome position (GRCh38, 1-based): chr2:233,320,777, G>A. VCF-style: chr2-233320777-G-A. GRCh37 (hg19) VCF-style: chr2-234229423-G-A.
Other names: short protein forms S110N.
Identifiers: ClinVar variation 1922084 (VCV001922084.6), dbSNP rs201204943, ClinGen allele CA67542404.
Genomic context (GRCh38, chr2:233,320,777, plus strand): 5'-CCCGGGTCCAGGTGTATCCTCCTGTGGGGGCCGCGAGCACCCCCACAAAACTGCAAGAGA[G>A]CCTGCTTAAAAAGCTGGGGAGCAACACGTACCCCTTTCTCCTGACGGTGGGTGACTCCTC-3'
Protein context (NP_000532.2, residues 100-120): AASTPTKLQE[Ser110Asn]LLKKLGSNTY

ClinVar aggregate classification (germline): Uncertain significance. Review status: criteria provided, multiple submitters, no conflicts (2 of 4 stars). 2 submissions from 2 submitters: Uncertain significance (2). Last evaluated 2022-06-02.

Allele frequency attached by ClinVar (database versions not stated): TOPMed below 0.00001; gnomAD 0.00001; gnomAD exomes 0.00001.
gnomAD v4.1: 19 of 1,605,998 alleles (0.0012%); highest among the groups gnomAD compares: Non-Finnish European, 0.0016%; no homozygotes.

Submissions (2):

Labcorp Genetics (formerly Invitae), Labcorp
Classification: Uncertain significance. Last evaluated: 2022-06-02. Review status: criteria provided, single submitter. Criteria: Invitae Variant Classification Sherloc (09022015). Collection method: clinical testing. Allele origin: germline.
Comment: In summary, the available evidence is currently insufficient to determine the role of this variant in disease. Therefore, it has been classified as a Variant of Uncertain Significance. This sequence change replaces serine, which is neutral and polar, with asparagine, which is neutral and polar, at codon 110 of the SAG protein (p.Ser110Asn). This variant is present in population databases (rs201204943, gnomAD 0.002%). This variant has not been reported in the literature in individuals affected with SAG-related conditions. Algorithms developed to predict the effect of missense changes on protein structure and function (SIFT, PolyPhen-2, Align-GVGD) all suggest that this variant is likely to be tolerated.

Blueprint Genetics
Classification: Uncertain significance. Last evaluated: 2021-09-21. Review status: criteria provided, single submitter. Criteria: ACMG Guidelines, 2015. Collection method: clinical testing. Allele origin: germline.